The following is an entry in ClinVar:

ClinVar aggregate classification (germline): Uncertain significance (1 of 4 stars; one submission).

Conditions:
Gorlin syndrome. Also called: Basal cell nevus syndrome; Nevoid Basal Cell Carcinoma Syndrome. Identifiers: Orphanet 377, MedGen C0004779, MONDO:0007187.

Submission:

Labcorp Genetics (formerly Invitae), Labcorp
Classification: Uncertain significance for Gorlin syndrome. Last evaluated: 2022-02-24. Review status: criteria provided, single submitter. Criteria: Invitae Variant Classification Sherloc (09022015). Collection method: clinical testing. Allele origin: germline.
Comment: This variant has not been reported in the literature in individuals affected with PTCH2-related conditions. This sequence change replaces alanine, which is neutral and non-polar, with threonine, which is neutral and polar, at codon 68 of the PTCH2 protein (p.Ala68Thr). This variant is not present in population databases (gnomAD no frequency). Algorithms developed to predict the effect of missense changes on protein structure and function (SIFT, PolyPhen-2, Align-GVGD) all suggest that this variant is likely to be tolerated. In summary, the available evidence is currently insufficient to determine the role of this variant in disease. Therefore, it has been classified as a Variant of Uncertain Significance.

NM_003738.5(PTCH2):c.202G>A (p.Ala68Thr)

Gene: PTCH2 (patched 2; minus strand). Cytogenetic location: 1p34.1.
Variant type: single nucleotide variant.
Coding change: c.202G>A on transcript NM_003738.5 (MANE Select); coding-DNA position 202, G replaced by A.
Protein change: p.Ala68Thr; replaces alanine 68 with threonine.
Molecular consequence: missense variant.
Genome position (GRCh38, 1-based): chr1:44,841,910, C>T on the plus strand (G>A on the coding strand, the complement: PTCH2 is on the minus strand). VCF-style: chr1-44841910-C-T. GRCh37 (hg19) VCF-style: chr1-45307582-C-T.
Other names: c.202G>A, p.Ala68Thr (NM_001166292.2); short protein forms A68T.
Identifiers: ClinVar variation 2177511 (VCV002177511.4), dbSNP rs2148886394, ClinGen allele CA340110768.
Genomic context (GRCh38, chr1:44,841,910, plus strand): 5'-CTACCCAGAGCTGTTCCAAGTTTGTCTCAATAATGGCCATGCGGAGACCTAATGCCAGGG[C>T]CCCAAAGGCCAACAGTCCCAGAAAGAGCACTTTGCCACAATGTCTCTGGATCCCGCATCC-3'
Protein context (NP_003729.3, residues 58-78): VLFLGLLAFG[Ala68Thr]LALGLRMAII